The following is an entry in ClinVar:

ClinVar aggregate classification (germline): Uncertain significance (1 of 4 stars; one submission).

Conditions:
Early-infantile DEE. Also called: Ohtahara syndrome; Early infantile epileptic encephalopathy with suppression bursts; Early infantile epileptic encephalopathy. Identifiers: Orphanet 1934, MedGen C0393706, MONDO:0800491.

Submission:

Labcorp Genetics (formerly Invitae), Labcorp
Classification: Uncertain significance for Early-infantile DEE. Last evaluated: 2023-04-03. Review status: criteria provided, single submitter. Criteria: Invitae Variant Classification Sherloc (09022015). Collection method: clinical testing. Allele origin: germline.
Comment: In summary, the available evidence is currently insufficient to determine the role of this variant in disease. Therefore, it has been classified as a Variant of Uncertain Significance. This sequence change replaces isoleucine, which is neutral and non-polar, with methionine, which is neutral and non-polar, at codon 2038 of the SPTAN1 protein (p.Ile2038Met). This variant is not present in population databases (gnomAD no frequency). This variant has not been reported in the literature in individuals affected with SPTAN1-related conditions. Advanced modeling of protein sequence and biophysical properties (such as structural, functional, and spatial information, amino acid conservation, physicochemical variation, residue mobility, and thermodynamic stability) has been performed at Invitae for this missense variant, however the output from this modeling did not meet the statistical confidence thresholds required to predict the impact of this variant on SPTAN1 protein function.

NM_001130438.3(SPTAN1):c.6114T>G (p.Ile2038Met)

Gene: SPTAN1 (spectrin alpha, non-erythrocytic 1; plus strand). Cytogenetic location: 9q34.11.
Variant type: single nucleotide variant.
Coding change: c.6114T>G on transcript NM_001130438.3 (MANE Select); coding-DNA position 6114, T replaced by G.
Protein change: p.Ile2038Met; replaces isoleucine 2038 with methionine.
Molecular consequence: missense variant.
Genome position (GRCh38, 1-based): chr9:128,625,813, T>G. VCF-style: chr9-128625813-T-G. GRCh37 (hg19) VCF-style: chr9-131388092-T-G.
Other names: c.6039T>G, p.Ile2013Met (NM_001195532.2); c.6114T>G, p.Ile2038Met (NM_001363759.2, NM_001375310.1, NM_001375311.2 and 1 more transcripts); c.6054T>G, p.Ile2018Met (NM_001363765.2, NM_001375314.2); c.6150T>G, p.Ile2050Met (NM_001375312.2, NM_001375318.1); c.6099T>G, p.Ile2033Met (NM_003127.4); short protein forms I2013M, I2038M, I2018M, I2033M, I2050M.
Identifiers: ClinVar variation 2851740 (VCV002851740.3), dbSNP rs2542188642, ClinGen allele CA375086129.